The following is an entry in ClinVar:

ClinVar aggregate classification (germline): Pathogenic. Review status: criteria provided, single submitter (1 of 4 stars). 2 submissions from 2 submitters: Pathogenic (1). 1 of the submissions does not count toward it. Last evaluated 2025-10-23.

Conditions:
Hereditary cancer-predisposing syndrome. Also called: Tumor predisposition; Hereditary neoplastic syndrome; Hereditary Cancer Syndrome; Neoplastic Syndromes, Hereditary. Identifiers: Orphanet 140162, MedGen C0027672, MeSH D009386, MONDO:0015356.
Malignant tumor of breast. Also called: Malignant breast neoplasm; Cancer breast. Identifiers: MedGen C0006142, MONDO:0007254. Disease mechanism: loss of function.

Submissions (2):

Ambry Genetics
Classification: Pathogenic for Hereditary cancer-predisposing syndrome. Last evaluated: 2025-10-23. Review status: criteria provided, single submitter. Criteria: Ambry Variant Classification Scheme 2023. Collection method: clinical testing. Allele origin: germline.
Comment: The c.66_67delAGinsTT variant (also known as p.L22_E23delinsF*), located in coding exon 1 of the BRCA1 gene, results from an in-frame deletion of AG and insertion of TT at nucleotide positions 66 to 67. This results in the substitution of the leucine residue for a phenylalanine residue at codon 22 and changes the glutamic acid residue at codon 23 to a stop codon. This variant is considered to be rare based on population cohorts in the Genome Aggregation Database (gnomAD). This alteration is expected to result in loss of function by premature protein truncation or nonsense-mediated mRNA decay. As such, this alteration is interpreted as a disease-causing mutation.

Department of Pathology and Laboratory Medicine, Sinai Health System
Classification: Pathogenic for Malignant tumor of breast. Review status: no assertion criteria provided. Collection method: clinical testing. Allele origin: unknown. Affected: yes. Study: The Canadian Open Genetics Repository (COGR). Not counted in ClinVar's aggregate classification.
Comment: The BRCA1 p.Leu22_Glu23delinsPheX variant was not identified in the literature, nor was it identified in dbSNP, the 1000 Genomes Project, the NHLBI Exome Sequencing Project, the Exome Aggregation Consortium, the genome Aggregation Database (beta), GeneInsight COGR, Clinvar, Clinvitae, COSMIC, MutDB, BRCA Share, BIC, ARUP Laboratories BRCA Mutations Database, the Fanconi Anemia Mutation Database (LOVD) or LOVD-IARC. The variant occurs outside of the splicing consensus sequence and in silico or computational prediction software programs (SpliceSiteFinder, MaxEntScan, NNSPLICE, GeneSplicer, HumanSpliceFinder) do not predict a difference in splicing. The p.Leu22_Glu23delinsPheX variant leads to a premature stop codon at position 23, which is predicted to lead to a truncated or absent protein and loss of function. Loss of function variants of the BRCA1 gene are an established mechanism of disease in hereditary breast and ovarian cancer and is the type of variant expected to cause the disorder. In summary, based on the above information, this variant meets our laboratoryâ€šÃ„Ã´s criteria to be classified as pathogenic.

NM_007294.4(BRCA1):c.66_67delinsTT (p.Leu22_Glu23delinsPheTer)

Gene: BRCA1 (BRCA1 DNA repair associated; minus strand). Cytogenetic location: 17q21.31.
Variant type: Indel.
Coding change: c.66_67delinsTT on transcript NM_007294.4 (MANE Select); coding-DNA positions 66 to 67, AG replaced by TT.
Protein change: p.Leu22_Glu23delinsPheTer.
Molecular consequence: nonsense. On other transcripts: 5 prime UTR variant (1), non-coding transcript variant (1).
Genome position (GRCh38, 1-based): chr17:43,124,030-43,124,031, CT replaced by AA on the plus strand (AG replaced by TT on the coding strand, the reverse complement: BRCA1 is on the minus strand). VCF-style: chr17-43124030-CT-AA. GRCh37 (hg19) VCF-style: chr17-41276047-CT-AA.
Other names: c.-195_-194delAGinsTT (NM_001407943.1, NM_001407944.1, NM_001407725.1 and 22 more transcripts); c.-123_-122delAGinsTT (NM_001407953.1, NM_001407951.1, NM_001407952.1 and 46 more transcripts); c.-242_-241delAGinsTT (NM_001407954.1, NM_001407917.1, NM_001408513.1); c.-22_-21delAGinsTT (NM_001407945.1, NM_001407698.1, NM_001407732.1 and 22 more transcripts); c.66_67delAGinsTT, p.Leu22_Glu23delinsPheTer (NM_001407581.1, NM_001407582.1, NM_001407583.1 and 191 more transcripts); c.-192_-191delAGinsTT (NM_001407694.1, NM_001407724.1, NM_001407727.1 and 11 more transcripts); c.-196_-195delAGinsTT (NM_001407695.1, NM_001408465.1); c.-337_-336delAGinsTT (NM_001407696.1); and 10 more.
Identifiers: ClinVar variation 1050145 (VCV001050145.3), dbSNP rs2154576881, ClinGen allele CA2499224635.
Genomic context (GRCh38, chr17:43,124,030, plus strand): 5'-AGATAATCATAGGAATCCCAAATTAATACACTCTTGTGCTGACTTACCAGATGGGACACT[CT>AA]AAGATTTTCTGCATAGCATTAATGACATTTTGTACTTCTTCAACGCGAAGAGCAGATAAA-3'